The following is an entry in ClinVar:

ClinVar aggregate classification (germline): Uncertain significance (1 of 4 stars; one submission).

Conditions:
Hereditary cancer-predisposing syndrome. Also called: Neoplastic Syndromes, Hereditary; Tumor predisposition; Hereditary Cancer Syndrome; Hereditary neoplastic syndrome. Identifiers: Orphanet 140162, MedGen C0027672, MeSH D009386, MONDO:0015356.

Allele frequency attached by ClinVar (database versions not stated): gnomAD exomes below 0.00001; ExAC 0.00001.
gnomAD v4.1: 2 of 1,609,828 alleles (0.00012%); highest among the groups gnomAD compares: Non-Finnish European, 0.00017%; no homozygotes.

Submission:

Ambry Genetics
Classification: Uncertain significance for Hereditary cancer-predisposing syndrome. Last evaluated: 2025-08-28. Review status: criteria provided, single submitter. Criteria: Ambry Variant Classification Scheme 2023. Collection method: clinical testing. Allele origin: germline.
Comment: The p.M272I variant (also known as c.816G>A), located in coding exon 4 of the SMARCA4 gene, results from a G to A substitution at nucleotide position 816. The methionine at codon 272 is replaced by isoleucine, an amino acid with highly similar properties. This amino acid position is well conserved in available vertebrate species. In addition, this alteration is predicted to be tolerated by in silico analysis. Missense and in-frame variants in SMARCA4 are known to cause neurodevelopmental disorders; however, such associations with rhabdoid tumor predisposition syndrome including small cell carcinoma of the ovary-hypercalcemic type (SCCOHT) are exceedingly rare (Kosho T et al. Am J Med Genet C Semin Med Genet. 2014 Sep;166C(3):262-75; Jelinic P et al. Nat Genet. 2014 May;46(5):424-6). Based on the supporting evidence, the association of this alteration with Coffin-Siris syndrome is unknown; however, the association of this alteration with rhabdoid tumor predisposition syndrome is unlikely.

NM_003072.5(SMARCA4):c.816G>A (p.Met272Ile)

Gene: SMARCA4 (SWI/SNF related BAF chromatin remodeling complex subunit ATPase 4; plus strand). Cytogenetic location: 19p13.2.
Variant type: single nucleotide variant.
Coding change: c.816G>A on transcript NM_003072.5 (MANE Select); coding-DNA position 816, G replaced by A.
Protein change: p.Met272Ile; replaces methionine 272 with isoleucine.
Molecular consequence: missense variant. On other transcripts: non-coding transcript variant (1).
Genome position (GRCh38, 1-based): chr19:10,986,960, G>A. VCF-style: chr19-10986960-G-A. GRCh37 (hg19) VCF-style: chr19-11097636-G-A.
Other names: c.816G>A, p.Met272Ile (NM_001128844.3, NM_001128845.2, NM_001128846.2 and 6 more transcripts); short protein forms M272I.
Identifiers: ClinVar variation 1762275 (VCV001762275.3), dbSNP rs773011241, ClinGen allele CA9203588.
Genomic context (GRCh38, chr19:10,986,960, plus strand): 5'-TGTAGGTATGGGAGGGCCCAACATGCCTCCCCCAGGACCCTCGGGCGTGCCCCCCGGGAT[G>A]CCAGGCCAGCCTCCTGGAGGGCCTCCCAAGCCCTGGCCTGAAGGTGAGCTCCCTCTTCTA-3'
Protein context (NP_003063.2, residues 262-282): PPGPSGVPPG[Met272Ile]PGQPPGGPPK